The following is an entry in ClinVar:

NM_025176.6(NINL):c.3664C>G (p.Leu1222Val)

Gene: NINL (ninein like; minus strand). Cytogenetic location: 20p11.21.
Variant type: single nucleotide variant.
Coding change: c.3664C>G on transcript NM_025176.6 (MANE Select); coding-DNA position 3664, C replaced by G.
Protein change: p.Leu1222Val; replaces leucine 1222 with valine.
Molecular consequence: missense variant.
Genome position (GRCh38, 1-based): chr20:25,461,554, G>C on the plus strand (C>G on the coding strand, the complement: NINL is on the minus strand). VCF-style: chr20-25461554-G-C. GRCh37 (hg19) VCF-style: chr20-25442190-G-C.
Other names: NC_000020.10:g.25442190G>C; c.2617C>G, p.Leu873Val (NM_001318226.2); short protein forms L1222V, L873V.
Identifiers: ClinVar variation 3034254 (VCV003034254.3), dbSNP rs139278158, ClinGen allele CA9796848.

ClinVar aggregate classification (germline): Likely benign (0 of 4 stars; one submission).

Conditions:
NINL-related disorder. Also called: NINL-related condition.

Allele frequency attached by ClinVar (database versions not stated): 1000 Genomes Project 30x 0.00031; 1000 Genomes Project 0.00040; gnomAD exomes 0.00200; TOPMed 0.00113; ESP Exome Variant Server 0.00146; gnomAD 0.00161; ExAC 0.00319.
gnomAD v4.1: 3,103 of 1,601,872 alleles (0.19%); highest among the groups gnomAD compares: Non-Finnish European, 0.22%; 9 homozygotes.

Submissions (4):

PreventionGenetics, part of Exact Sciences
Classification: Likely benign for NINL-related condition. Last evaluated: 2020-07-27. Review status: no assertion criteria provided. Collection method: clinical testing. Allele origin: germline.
Comment: This variant is classified as likely benign based on ACMG/AMP sequence variant interpretation guidelines (Richards et al. 2015 PMID: 25741868, with internal and published modifications).

Dr. Peter K. Rogan Lab, Western University
No classification provided (evidence only). Condition: Melanoma. Review status: no classification provided. Collection method: in vitro. Allele origin: not applicable. Functional consequence: retained intron. Not counted in ClinVar's aggregate classification.

Dr. Peter K. Rogan Lab, Western University
No classification provided (evidence only). Condition: Hepatocellular carcinoma. Review status: no classification provided. Collection method: in vitro. Allele origin: not applicable. Functional consequence: retained intron. Not counted in ClinVar's aggregate classification.

Dr. Peter K. Rogan Lab, Western University
No classification provided (evidence only). Condition: Malignant tumor of esophagus. Review status: no classification provided. Collection method: in vitro. Allele origin: not applicable. Functional consequence: retained intron. Not counted in ClinVar's aggregate classification.